The following is an entry in ClinVar:

ClinVar aggregate classification (germline): Uncertain significance (1 of 4 stars; one submission).

Allele frequency attached by ClinVar (database versions not stated): gnomAD exomes below 0.00001; ExAC 0.00001; gnomAD 0.00001; TOPMed 0.00003.
gnomAD v4.1: 7 of 1,614,100 alleles (0.00043%); highest among the groups gnomAD compares: Non-Finnish European, 0.00059%; no homozygotes.

Submission:

Labcorp Genetics (formerly Invitae), Labcorp
Classification: Uncertain significance. Last evaluated: 2024-01-19. Review status: criteria provided, single submitter. Criteria: Invitae Variant Classification Sherloc (09022015). Collection method: clinical testing. Allele origin: germline.
Comment: This sequence change replaces phenylalanine, which is neutral and non-polar, with serine, which is neutral and polar, at codon 765 of the KL protein (p.Phe765Ser). This variant is not present in population databases (gnomAD no frequency). This variant has not been reported in the literature in individuals affected with KL-related conditions. Advanced modeling of protein sequence and biophysical properties (such as structural, functional, and spatial information, amino acid conservation, physicochemical variation, residue mobility, and thermodynamic stability) performed at Invitae indicates that this missense variant is expected to disrupt KL protein function with a positive predictive value of 80%. In summary, the available evidence is currently insufficient to determine the role of this variant in disease. Therefore, it has been classified as a Variant of Uncertain Significance.

NM_004795.4(KL):c.2294T>C (p.Phe765Ser)

Gene: KL (klotho; plus strand). Cytogenetic location: 13q13.1.
Variant type: single nucleotide variant.
Coding change: c.2294T>C on transcript NM_004795.4 (MANE Select); coding-DNA position 2294, T replaced by C.
Protein change: p.Phe765Ser; replaces phenylalanine 765 with serine.
Molecular consequence: missense variant.
Genome position (GRCh38, 1-based): chr13:33,061,373, T>C. VCF-style: chr13-33061373-T-C. GRCh37 (hg19) VCF-style: chr13-33635510-T-C.
Other names: short protein forms F765S.
Identifiers: ClinVar variation 3008613 (VCV003008613.3), dbSNP rs769672418, ClinGen allele CA6944285.
Genomic context (GRCh38, chr13:33,061,373, plus strand): 5'-ACAAAGAGGTGGCTGAGAGAGTTTTGGAATTTGACATTGGCTGGCTGGCTGAGCCCATTT[T>C]CGGCTCTGGAGATTATCCATGGGTGATGAGGGACTGGCTGAACCAAAGAAACAATTTTCT-3'
Protein context (NP_004786.2, residues 755-775): FDIGWLAEPI[Phe765Ser]GSGDYPWVMR